The following is an entry in ClinVar:

NM_000426.4(LAMA2):c.3758T>G (p.Leu1253Arg)

Gene: LAMA2 (laminin subunit alpha 2; plus strand). Cytogenetic location: 6q22.33.
Variant type: single nucleotide variant.
Coding change: c.3758T>G on transcript NM_000426.4 (MANE Select); coding-DNA position 3758, T replaced by G.
Protein change: p.Leu1253Arg; replaces leucine 1253 with arginine.
Molecular consequence: missense variant.
Genome position (GRCh38, 1-based): chr6:129,315,784, T>G. VCF-style: chr6-129315784-T-G. GRCh37 (hg19) VCF-style: chr6-129636929-T-G.
Other names: c.3758T>G, p.Leu1253Arg (NM_001079823.2); short protein forms L1253R.
Identifiers: ClinVar variation 2573406 (VCV002573406.1), dbSNP rs2482416632, ClinGen allele CA365613213.

ClinVar aggregate classification (germline): Uncertain significance (1 of 4 stars; one submission).

Submission:

Women's Health and Genetics/Laboratory Corporation of America, LabCorp
Classification: Uncertain significance. Last evaluated: 2023-06-09. Review status: criteria provided, single submitter. Criteria: LabCorp Variant Classification Summary - May 2015. Collection method: clinical testing. Allele origin: germline.
Comment: Variant summary: LAMA2 c.3758T>G (p.Leu1253Arg) results in a non-conservative amino acid change located in the Laminin IV domain (IPR000034) of the encoded protein sequence. Four of five in-silico tools predict a damaging effect of the variant on protein function. The variant was absent in 251378 control chromosomes. The available data on variant occurrences in the general population are insufficient to allow any conclusion about variant significance. c.3758T>G has been reported in the literature in at least one compound heterozygous individual affected with limb-girdle type muscular dystrophy (example: Lokken_2015). These data do not allow any conclusion about variant significance. To our knowledge, no experimental evidence demonstrating an impact on protein function has been reported. The following publication has been ascertained in the context of this evaluation (PMID: 25663498). No clinical diagnostic laboratories have submitted clinical-significance assessments for this variant to ClinVar after 2014. Based on the evidence outlined above, the variant was classified as uncertain significance.

Literature cited by the submitters: PubMed 25663498.